The following is an entry in ClinVar:

NM_000660.7(TGFB1):c.718A>G (p.Thr240Ala)

Gene: TGFB1 (transforming growth factor beta 1; minus strand). Cytogenetic location: 19q13.2.
Variant type: single nucleotide variant.
Coding change: c.718A>G on transcript NM_000660.7 (MANE Select); coding-DNA position 718, A replaced by G.
Protein change: p.Thr240Ala; replaces threonine 240 with alanine.
Molecular consequence: missense variant.
Genome position (GRCh38, 1-based): chr19:41,342,025, T>C on the plus strand (A>G on the coding strand, the complement: TGFB1 is on the minus strand). VCF-style: chr19-41342025-T-C. GRCh37 (hg19) VCF-style: chr19-41847930-T-C.
Other names: short protein forms T240A.
Identifiers: ClinVar variation 1422888 (VCV001422888.8), dbSNP rs148552731, ClinGen allele CA9460003.

ClinVar aggregate classification (germline): Uncertain significance (1 of 4 stars; one submission).

gnomAD v4.1: 1 of 1,613,998 alleles (0.000062%); highest among the groups gnomAD compares: Non-Finnish European, 0.000085%; no homozygotes.

Submission:

Labcorp Genetics (formerly Invitae), Labcorp
Classification: Uncertain significance. Last evaluated: 2025-07-02. Review status: criteria provided, single submitter. Criteria: Invitae Variant Classification Sherloc (09022015). Collection method: clinical testing. Allele origin: germline.
Comment: This sequence change replaces threonine, which is neutral and polar, with alanine, which is neutral and non-polar, at codon 240 of the TGFB1 protein (p.Thr240Ala). This variant is present in population databases (rs148552731, gnomAD 0.002%). This variant has not been reported in the literature in individuals affected with TGFB1-related conditions. ClinVar contains an entry for this variant (Variation ID: 1422888). Invitae Evidence Modeling of protein sequence and biophysical properties (such as structural, functional, and spatial information, amino acid conservation, physicochemical variation, residue mobility, and thermodynamic stability) indicates that this missense variant is not expected to disrupt TGFB1 protein function with a negative predictive value of 80%. In summary, the available evidence is currently insufficient to determine the role of this variant in disease. Therefore, it has been classified as a Variant of Uncertain Significance.